The following is an entry in ClinVar:

NM_000059.4(BRCA2):c.1786G>C (p.Asp596His)

Gene: BRCA2 (BRCA2 DNA repair associated; plus strand). Cytogenetic location: 13q13.1.
Variant type: single nucleotide variant.
Coding change: c.1786G>C on transcript NM_000059.4 (MANE Select); coding-DNA position 1786, G replaced by C.
Protein change: p.Asp596His; replaces aspartic acid 596 with histidine.
Molecular consequence: missense variant.
Genome position (GRCh38, 1-based): chr13:32,333,264, G>C. VCF-style: chr13-32333264-G-C. GRCh37 (hg19) VCF-style: chr13-32907401-G-C.
Other names: p.D596H:GAT>CAT; 2014G>C; short protein forms D596H.
Identifiers: ClinVar variation 51192 (VCV000051192.104), dbSNP rs56328701, ClinGen allele CA013210.
Genomic context (GRCh38, chr13:32,333,264, plus strand): 5'-AATGCAGGTTTAATATCCACTTTGAAAAAGAAAACAAATAAGTTTATTTATGCTATACAT[G>C]ATGAAACATCTTATAAAGGAAAAAAAATACCGAAAGACCAAAAATCAGAACTAATTAACT-3'
Protein context (NP_000050.3, residues 586-606): KTNKFIYAIH[Asp596His]ETSYKGKKIP

ClinVar aggregate classification (germline): Benign. Review status: reviewed by expert panel (3 of 4 stars). 41 submissions from 40 submitters: Benign (1). 40 of the submissions do not count toward it. Last evaluated 2019-06-18.

Conditions:
Hereditary cancer-predisposing syndrome. Also called: Hereditary Cancer Syndrome; Tumor predisposition; Neoplastic Syndromes, Hereditary; Hereditary neoplastic syndrome. Identifiers: Orphanet 140162, MedGen C0027672, MeSH D009386, MONDO:0015356.
Prostate cancer. Also called: Malignant tumor of prostate. Identifiers: Orphanet 1331, MedGen C0376358, MONDO:0008315, HP:0012125.
Medulloblastoma (MDB). Also called: MEDULLOBLASTOMA PREDISPOSITION SYNDROME; Medulloblastoma, somatic. Identifiers: Orphanet 616, MedGen C0025149, MeSH D008527, MONDO:0007959, OMIM 155255, HP:0002885.
Breast-ovarian cancer, familial, susceptibility to, 2 (BROVCA2). Also called: BRCA2 Hereditary Breast and Ovarian Cancer. Identifiers: Orphanet 145, MedGen C2675520, MONDO:0012933, OMIM 612555. Disease mechanism: loss of function.
Fanconi anemia complementation group D1. Also called: BRCA2-Related Fanconi Anemia. Identifiers: Orphanet 319462, MedGen C1838457, MONDO:0011584, OMIM 605724.
Wilms tumor 1 (WT1). Also called: Wilms tumor, somatic. Identifiers: Orphanet 654, MedGen CN033288, MONDO:0008679, OMIM 194070.
Pancreatic cancer, susceptibility to, 2. Identifiers: Orphanet 1333, MedGen C3150546, MONDO:0013235, OMIM 613347.
Glioma susceptibility 3 (GLM3). Also called: Glioblastoma 3. Identifiers: Orphanet 182067, Orphanet 360, MedGen C2751641, MONDO:0013093, OMIM 613029.
Familial cancer of breast. Also called: BREAST CANCER, FAMILIAL; hereditary breast carcinoma; Hereditary breast cancer. Identifiers: Orphanet 227535, MedGen C0346153, MONDO:0016419, OMIM 114480. Disease mechanism: loss of function.
Breast and/or ovarian cancer. Identifiers: MedGen CN221562.
Breast neoplasm. Also called: Breast Neoplasms; Neoplasm of the breast; Neoplasm of breast; Breast tumor. Identifiers: MedGen C1458155, MeSH D001943, MONDO:0021100, HP:0100013. Disease mechanism: gain of function.
Hereditary breast ovarian cancer syndrome. Also called: Breast and ovarian cancer; BRCA1- and BRCA2-Associated Hereditary Breast and Ovarian Cancer; Hereditary breast and ovarian cancer; Hereditary breast and ovarian cancer syndrome (HBOC); Hereditary breast and ovarian cancer syndrome; Hereditary breast and/or ovarian cancer syndrome. Identifiers: Orphanet 145, MedGen C0677776, MeSH D061325, MONDO:0003582. Disease mechanism: loss of function.
Malignant tumor of breast. Also called: Malignant breast neoplasm; Cancer breast. Identifiers: MedGen C0006142, MONDO:0007254. Disease mechanism: loss of function.

Allele frequency attached by ClinVar (database versions not stated): gnomAD 0.00025; TOPMed 0.00030; gnomAD exomes 0.00034; ESP Exome Variant Server 0.00038; ExAC 0.00041.
gnomAD v4.1: 860 of 1,608,472 alleles (0.053%); highest among the groups gnomAD compares: Non-Finnish European, 0.071%; no homozygotes.

Submissions 1 to 15 of 41:

Evidence-based Network for the Interpretation of Germline Mutant Alleles (ENIGMA)
Classification: Benign for Breast-ovarian cancer, familial, susceptibility to, 2. Last evaluated: 2019-06-18. Review status: reviewed by expert panel. Criteria: ENIGMA BRCA1/2 Classification Criteria (2017-06-29). Collection method: curation. Allele origin: germline.
Comment: IARC class based on posterior probability from multifactorial likelihood analysis, thresholds for class as per Plon et al. 2008 (PMID: 18951446). Class 1 based on posterior probability = 0.000066

Labcorp Genetics (formerly Invitae), Labcorp
Classification: Benign for Hereditary breast ovarian cancer syndrome. Last evaluated: 2026-02-03. Review status: criteria provided, single submitter. Criteria: Invitae Variant Classification Sherloc (09022015). Collection method: clinical testing. Allele origin: germline. Not counted in ClinVar's aggregate classification.

Dasa
Classification: Benign for Breast-ovarian cancer, familial, susceptibility to, 2. Last evaluated: 2025-12-16. Review status: criteria provided, single submitter. Criteria: DASA Assertion Criteria. Collection method: clinical testing. Allele origin: germline. Not counted in ClinVar's aggregate classification.
Comment: NM_000059.4(BRCA2):c.1786G>C (p.Asp596His) is a missense variant that results in the substitution of aspartic acid with histidine. Population frequency is inconsistent with a disease-causing role for this variant, and the variant context is inconsistent with a known disease-causing mechanism. Therefore, based on the currently available evidence, this variant is classified as benign.

Center for Genomic Medicine, Rigshospitalet, Copenhagen University Hospital
Classification: Benign. Last evaluated: 2025-03-04. Review status: criteria provided, single submitter. Criteria: ACMG Guidelines, 2015. Collection method: clinical testing. Allele origin: germline. Not counted in ClinVar's aggregate classification.

Blueprint Genetics
Classification: Likely benign. Last evaluated: 2024-11-19. Review status: criteria provided, single submitter. Criteria: ACMG Guidelines, 2015. Collection method: clinical testing. Allele origin: germline. Not counted in ClinVar's aggregate classification.

All of Us Research Program, National Institutes of Health
Classification: Likely benign for Breast-ovarian cancer, familial, susceptibility to, 2. Last evaluated: 2024-02-05. Review status: criteria provided, single submitter. Criteria: ACMG Guidelines, 2015. Collection method: clinical testing. Allele origin: germline. Inheritance: Autosomal dominant inheritance. Observed: 94 variant alleles, 94 heterozygotes. Not counted in ClinVar's aggregate classification.
Comment: This study involves interpretation of variants in research participants for the purpose of population health screening. Participant phenotype was not available at the time of variant classification. Additional details can be found in publication PMID: 35346344, PMCID: PMC8962531

ARUP Laboratories, Molecular Genetics and Genomics, ARUP Laboratories
Classification: Benign. Last evaluated: 2023-09-25. Review status: criteria provided, single submitter. Criteria: ARUP Molecular Germline Variant Investigation Process 2024. Collection method: clinical testing. Allele origin: germline. Not counted in ClinVar's aggregate classification.

CeGaT Center for Human Genetics Tuebingen
Classification: Likely benign. Last evaluated: 2023-06-01. Review status: criteria provided, single submitter. Criteria: CeGaT Center For Human Genetics Tuebingen Variant Classification Criteria Version 2. Collection method: clinical testing. Allele origin: germline. Affected: yes. Observed: 4 variant alleles. Not counted in ClinVar's aggregate classification.
Comment: BRCA2: BP1, BP4, BS2

Fulgent Genetics
Classification: Likely benign for Familial cancer of breast; Medulloblastoma; Familial prostate cancer; Wilms tumor 1; Fanconi anemia complementation group D1; Breast-ovarian cancer, familial, susceptibility to, 2; Glioma susceptibility 3; Pancreatic cancer, susceptibility to, 2. Last evaluated: 2022-03-02. Review status: criteria provided, single submitter. Criteria: ACMG Guidelines, 2015. Collection method: clinical testing. Allele origin: unknown. Not counted in ClinVar's aggregate classification.

St. Jude Molecular Pathology, St. Jude Children's Research Hospital
Classification: Likely benign for Hereditary breast ovarian cancer syndrome. Last evaluated: 2021-08-26. Review status: criteria provided, single submitter. Criteria: St. Jude Assertion Criteria 2020. Collection method: clinical testing. Allele origin: germline. Not counted in ClinVar's aggregate classification.
Comment: The BRCA2 c.1786G>C (p.Asp596His) missense change has a maximum subpopulation frequency of 0.064% in gnomAD v2.1.1. In silico tools predict a benign effect of this variant on protein function (BP4), but to our knowledge these predictions have not been confirmed by functional assays. This variant has been reported in seven women older than 70 years of age who have never had cancer (BS2_supporting). It has also been reported in individuals with a personal or family history of breast cancer (PMID: 17513806, 28439188, 20104584), ovarian cancer (PMID: 17997147, 18559594, 16284991), and head neck squamous cell carcinoma (PMID: 28678401). This variant has been reported to co-occur with pathogenic variants in BRCA1 and BRCA2 (BP2; UMD database). In summary, this variant meets criteria to be classified as likely benign based on the ACMG/AMP criteria: BS2_supporting, BP2, BP4.

GeneDx
Classification: Likely benign. Last evaluated: 2021-03-01. Review status: criteria provided, single submitter. Criteria: GeneDx Variant Classification Process June 2021. Collection method: clinical testing. Allele origin: germline. Affected: yes. Not counted in ClinVar's aggregate classification.
Comment: This variant is associated with the following publications: (PMID: 17997147, 24728327, 32426482, 21952622, 21520273, 25637381, 23231788, 17513806, 27153395, 26306726, 28678401, 26517685, 28439188, 20104584, 18284688, 16284991, 31131967)

Sema4
Classification: Likely benign for Hereditary cancer-predisposing syndrome. Last evaluated: 2020-11-02. Review status: criteria provided, single submitter. Criteria: Sema4 Curation Guidelines. Collection method: curation. Allele origin: germline. Not counted in ClinVar's aggregate classification.

Genetic Services Laboratory, University of Chicago
Classification: Likely benign. Last evaluated: 2019-10-21. Review status: criteria provided, single submitter. Criteria: ACMG Guidelines, 2015. Collection method: clinical testing. Allele origin: germline. Affected: no. Not counted in ClinVar's aggregate classification.

Mendelics
Classification: Benign for Breast-ovarian cancer, familial, susceptibility to, 2. Last evaluated: 2019-05-28. Review status: criteria provided, single submitter. Criteria: Mendelics Assertion Criteria 2017. Collection method: clinical testing. Allele origin: unknown. Not counted in ClinVar's aggregate classification.

Quest Diagnostics Nichols Institute San Juan Capistrano
Classification: Likely benign. Last evaluated: 2019-01-17. Review status: criteria provided, single submitter. Criteria: Quest Diagnostics criteria. Collection method: clinical testing. Allele origin: germline. Not counted in ClinVar's aggregate classification.